The following is an entry in ClinVar:

NM_001142800.2(EYS):c.-404G>T

Gene: EYS (EGF-like photoreceptor maintenance factor; minus strand). Cytogenetic location: 6q12.
Variant type: single nucleotide variant.
Coding change: c.-404G>T on transcript NM_001142800.2 (MANE Select); 404 bases upstream of the start codon, G replaced by T.
Molecular consequence: 5 prime UTR variant.
Genome position (GRCh38, 1-based): chr6:65,639,849, C>A on the plus strand (G>T on the coding strand, the complement: EYS is on the minus strand). VCF-style: chr6-65639849-C-A. GRCh37 (hg19) VCF-style: chr6-66349742-C-A.
Other names: c.-404G>T (NM_001142801.2, NM_001292009.2).
Identifiers: ClinVar variation 2054595 (VCV002054595.4), dbSNP rs980249368, ClinGen allele CA1634329871.

ClinVar aggregate classification (germline): Uncertain significance (1 of 4 stars; one submission).

Submission:

Labcorp Genetics (formerly Invitae), Labcorp
Classification: Uncertain significance. Last evaluated: 2022-07-25. Review status: criteria provided, single submitter. Criteria: Invitae Variant Classification Sherloc (09022015). Collection method: clinical testing. Allele origin: germline.
Comment: This variant is not present in population databases (gnomAD no frequency). This variant occurs in a non-coding region of the EYS gene. It does not change the encoded amino acid sequence of the EYS protein. This variant has not been reported in the literature in individuals affected with EYS-related conditions. In summary, the available evidence is currently insufficient to determine the role of this variant in disease. Therefore, it has been classified as a Variant of Uncertain Significance.